The following is an entry in ClinVar:

NM_001130009.3(GEN1):c.2677A>C (p.Ser893Arg)

Gene: GEN1 (GEN1 Holliday junction 5' flap endonuclease; plus strand). Cytogenetic location: 2p24.2.
Variant type: single nucleotide variant.
Coding change: c.2677A>C on transcript NM_001130009.3 (MANE Select); coding-DNA position 2677, A replaced by C.
Protein change: p.Ser893Arg; replaces serine 893 with arginine.
Molecular consequence: missense variant.
Genome position (GRCh38, 1-based): chr2:17,781,889, A>C. VCF-style: chr2-17781889-A-C. GRCh37 (hg19) VCF-style: chr2-17963156-A-C.
Other names: c.2677A>C, p.Ser893Arg (NM_182625.5); short protein forms S893R.
Identifiers: ClinVar variation 4263023 (VCV004263023.1).
Genomic context (GRCh38, chr2:17,781,889, plus strand): 5'-AGTTCTCTGAGTTCTCTACAATGTCATAAGAAAGAAAACAACTCTGGTACTTGTTTGGAT[A>C]GCCCTCTTCCTTTACGCCAGAGATTAAAACTAAGATTCCAAAGCACTTGAAATTTAAAAC-3'
Protein context (NP_001123481.3, residues 883-903): KENNSGTCLD[Ser893Arg]PLPLRQRLKL

ClinVar aggregate classification (germline): Uncertain significance (1 of 4 stars; one submission).

Submission:

Ambry Genetics
Classification: Uncertain significance. Last evaluated: 2025-07-12. Review status: criteria provided, single submitter. Criteria: Ambry Variant Classification Scheme 2023. Collection method: clinical testing. Allele origin: germline.
Comment: The p.S893R variant (also known as c.2677A>C), located in coding exon 13 of the GEN1 gene, results from an A to C substitution at nucleotide position 2677. The serine at codon 893 is replaced by arginine, an amino acid with dissimilar properties. This amino acid position is conserved. In addition, the in silico prediction for this alteration is inconclusive. Based on the available evidence, the clinical significance of this variant remains unclear.